The following is an entry in ClinVar:

ClinVar aggregate classification (germline): Uncertain significance. Review status: criteria provided, multiple submitters, no conflicts (2 of 4 stars). 2 submissions from 2 submitters: Uncertain significance (2). Last evaluated 2025-11-03.

Allele frequency attached by ClinVar (database versions not stated): gnomAD 0.00001; TOPMed 0.00001.
gnomAD v4.1: 2 of 1,613,864 alleles (0.00012%); highest among the groups gnomAD compares: Admixed American, 0.0017%; no homozygotes.

Submissions (2):

Ambry Genetics
Classification: Uncertain significance. Last evaluated: 2025-11-03. Review status: criteria provided, single submitter. Criteria: Ambry Variant Classification Scheme 2023. Collection method: clinical testing. Allele origin: germline.

Labcorp Genetics (formerly Invitae), Labcorp
Classification: Uncertain significance. Last evaluated: 2023-03-04. Review status: criteria provided, single submitter. Criteria: Invitae Variant Classification Sherloc (09022015). Collection method: clinical testing. Allele origin: germline.
Comment: This variant is not present in population databases (gnomAD no frequency). In summary, the available evidence is currently insufficient to determine the role of this variant in disease. Therefore, it has been classified as a Variant of Uncertain Significance. An algorithm developed to predict the effect of missense changes on protein structure and function (PolyPhen-2) suggests that this variant is likely to be disruptive. ClinVar contains an entry for this variant (Variation ID: 1443691). This variant has not been reported in the literature in individuals affected with RINT1-related conditions. This sequence change replaces histidine, which is basic and polar, with leucine, which is neutral and non-polar, at codon 208 of the RINT1 protein (p.His208Leu).

NM_021930.6(RINT1):c.623A>T (p.His208Leu)

Gene: RINT1 (RAD50 interactor 1; plus strand). Cytogenetic location: 7q22.3.
Variant type: single nucleotide variant.
Coding change: c.623A>T on transcript NM_021930.6 (MANE Select); coding-DNA position 623, A replaced by T.
Protein change: p.His208Leu; replaces histidine 208 with leucine.
Molecular consequence: missense variant. On other transcripts: 5 prime UTR variant (2), non-coding transcript variant (1), intron variant (1).
Genome position (GRCh38, 1-based): chr7:105,547,017, A>T. VCF-style: chr7-105547017-A-T. GRCh37 (hg19) VCF-style: chr7-105187464-A-T.
Other names: c.389A>T, p.His130Leu (NM_001346599.2); c.-397A>T (NM_001346600.2); c.-300A>T (NM_001346601.2); c.-27-3038A>T (NM_001346603.2); short protein forms H130L, H208L.
Identifiers: ClinVar variation 1443691 (VCV001443691.10), dbSNP rs144463752, ClinGen allele CA368805615.